The following is an entry in ClinVar:

NM_004187.5(KDM5C):c.4454C>T (p.Ser1485Leu)

Gene: KDM5C (lysine demethylase 5C; minus strand). Cytogenetic location: Xp11.22.
Variant type: single nucleotide variant.
Coding change: c.4454C>T on transcript NM_004187.5 (MANE Select); coding-DNA position 4454, C replaced by T.
Protein change: p.Ser1485Leu; replaces serine 1485 with leucine.
Molecular consequence: missense variant. On other transcripts: intron variant (5).
Genome position (GRCh38, 1-based): chrX:53,193,196, G>A on the plus strand (C>T on the coding strand, the complement: KDM5C is on the minus strand). VCF-style: chrX-53193196-G-A. GRCh37 (hg19) VCF-style: chrX-53222378-G-A.
Other names: c.4451C>T, p.Ser1484Leu (NM_001282622.3); c.4445C>T, p.Ser1482Leu (NM_001353978.3); c.4305+241C>T (NM_001353982.2); c.4314+241C>T (NM_001353979.2); c.4308+241C>T (NM_001353981.2, NM_001353984.2); c.4046+302C>T (NM_001146702.2); short protein forms S1482L, S1484L, S1485L.
Identifiers: ClinVar variation 4687625 (VCV004687625.1).
Genomic context (GRCh38, chrX:53,193,196, plus strand): 5'-TCACCCCCAGTCTCCTCCTCCAGCTCTTCCTCCTCCTGGACCTCCTCAGCCTCTGGCCCT[G>A]AGCTCCGTACCCTCTTTGGCTCTAGCTCCTCTCGGGCTGGGTCATCGCCCTCCCCACCCC-3'
Protein context (NP_004178.2, residues 1475-1495): EELEPKRVRS[Ser1485Leu]GPEAEEVQEE

ClinVar aggregate classification (germline): Uncertain significance (1 of 4 stars; one submission).

gnomAD v4.1: 1 of 1,210,294 alleles (0.000083%); highest among the groups gnomAD compares: Non-Finnish European, 0.00011%; no homozygotes.

Submission:

Women's Health and Genetics/Laboratory Corporation of America, LabCorp
Classification: Uncertain significance. Last evaluated: 2025-10-29. Review status: criteria provided, single submitter. Criteria: LabCorp Variant Classification Summary - May 2015. Collection method: clinical testing. Allele origin: germline.
Comment: Variant summary: KDM5C c.4454C>T (p.Ser1485Leu) results in a non-conservative amino acid change in the encoded protein sequence. Algorithms developed to predict the effect of missense changes on protein structure and function are either unavailable or do not agree on the potential impact of this missense change. The variant was absent in 182052 control chromosomes. The available data on variant occurrences in the general population are insufficient to allow any conclusion about variant significance. To our knowledge, no occurrence of c.4454C>T in individuals affected with KDM5C-related conditions and no experimental evidence demonstrating its impact on protein function have been reported. No submitters have cited clinical-significance assessments for this variant to ClinVar. Based on the evidence outlined above, the variant was classified as uncertain significance.